The following is an entry in ClinVar:

ClinVar aggregate classification (germline): Conflicting classifications of pathogenicity. Review status: criteria provided, conflicting classifications (1 of 4 stars). 3 submissions from 3 submitters: Likely pathogenic (1); Uncertain significance (1). 1 of the submissions does not count toward it. Last evaluated 2022-09-29.

Conditions:
Ehlers-Danlos syndrome, type 4 (EDSVASC). Also called: Ehlers-Danlos syndrome vascular type; Ehlers Danlos syndrome, ecchymotic type; Ehlers Danlos syndrome, arterial type; Ehlers Danlos syndrome, Sack-Barabas type; Ehlers-Danlos Syndrome Type IV. Identifiers: Orphanet 286, MedGen C0268338, MONDO:0017314, OMIM 130050.

Submissions (3):

Labcorp Genetics (formerly Invitae), Labcorp
Classification: Likely pathogenic for Ehlers-Danlos syndrome, type 4. Last evaluated: 2022-09-29. Review status: criteria provided, single submitter. Criteria: Invitae Variant Classification Sherloc (09022015). Collection method: clinical testing. Allele origin: germline.
Comment: In summary, the currently available evidence indicates that the variant is pathogenic, but additional data are needed to prove that conclusively. Therefore, this variant has been classified as Likely Pathogenic. This variant disrupts a region of the COL3A1 protein in which other variant(s) (p.Pro1440Leu) have been observed in individuals with COL3A1-related conditions (PMID: 25846194). This suggests that this is a clinically significant region of the protein, and that variants that disrupt it are likely to be disease-causing. ClinVar contains an entry for this variant (Variation ID: 101298). This premature translational stop signal has been observed in individuals with clinical features of Ehlers-Danlos syndrome, vascular type (PMID: 11577371; Invitae). This variant is not present in population databases (gnomAD no frequency). This sequence change creates a premature translational stop signal (p.Arg1432*) in the COL3A1 gene. While this is not anticipated to result in nonsense mediated decay, it is expected to disrupt the last 35 amino acid(s) of the COL3A1 protein.

GeneDx
Classification: Uncertain significance. Last evaluated: 2022-05-04. Review status: criteria provided, single submitter. Criteria: GeneDx Variant Classification Process June 2021. Collection method: clinical testing. Allele origin: germline. Affected: yes.
Comment: Not observed at significant frequency in large population cohorts (gnomAD); Nonsense variant predicted to result in protein truncation as the last 35 amino acids are lost, although loss-of-function variants have not been reported downstream of this position in the protein; One study showed that p.(R143*) failed to participate in trimer formation, which reduced the amount of mature molecule produced (Schwarze et al., 2001); additional studies are needed to validate this effect in vivo; This variant is associated with the following publications: (PMID: 19455184, 11577371)

Collagen Diagnostic Laboratory, University of Washington
Classification: Pathogenic for Ehlers-Danlos syndrome, type 4. Review status: no assertion criteria provided. Collection method: clinical testing. Allele origin: germline. Affected: yes. Not counted in ClinVar's aggregate classification.

Literature cited by the submitters: PubMed 25846194 (cited by Labcorp Genetics (formerly Invitae), Labcorp); PubMed 11577371 (cited by Labcorp Genetics (formerly Invitae), Labcorp and Collagen Diagnostic Laboratory, University of Washington).

NM_000090.4(COL3A1):c.4294C>T (p.Arg1432Ter)

Gene: COL3A1 (collagen type III alpha 1 chain; plus strand). Cytogenetic location: 2q32.2.
Variant type: single nucleotide variant.
Coding change: c.4294C>T on transcript NM_000090.4 (MANE Select); coding-DNA position 4294, C replaced by T.
Protein change: p.Arg1432Ter; replaces arginine 1432 with a stop codon.
Molecular consequence: nonsense.
Genome position (GRCh38, 1-based): chr2:189,011,667, C>T. VCF-style: chr2-189011667-C-T. GRCh37 (hg19) VCF-style: chr2-189876393-C-T.
Other names: NP_000081.1:p.Arg1432*; short protein forms R1432*.
Identifiers: ClinVar variation 101298 (VCV000101298.13), dbSNP rs587779585, ClinGen allele CA006869.